The following is an entry in ClinVar:

NM_004370.6(COL12A1):c.1732G>A (p.Asp578Asn)

Gene: COL12A1 (collagen type XII alpha 1 chain; minus strand). Cytogenetic location: 6q13.
Variant type: single nucleotide variant.
Coding change: c.1732G>A on transcript NM_004370.6 (MANE Select); coding-DNA position 1732, G replaced by A.
Protein change: p.Asp578Asn; replaces aspartic acid 578 with asparagine.
Molecular consequence: missense variant. On other transcripts: intron variant (1).
Genome position (GRCh38, 1-based): chr6:75,183,209, C>T on the plus strand (G>A on the coding strand, the complement: COL12A1 is on the minus strand). VCF-style: chr6-75183209-C-T. GRCh37 (hg19) VCF-style: chr6-75892925-C-T.
Other names: c.73+19511G>A (NM_080645.3); short protein forms D578N.
Identifiers: ClinVar variation 1490881 (VCV001490881.8), dbSNP rs2149465694, ClinGen allele CA364768732.

ClinVar aggregate classification (germline): Uncertain significance (1 of 4 stars; one submission).

Conditions:
Ullrich congenital muscular dystrophy 2 (UCMD2). Identifiers: Orphanet 75840, MedGen C4225314, MONDO:0014654, OMIM 616470.
Bethlem myopathy 2 (BTHLM2). Identifiers: Orphanet 536516, Orphanet 610, MedGen C4225313, MONDO:0034022, OMIM 616471.

Submission:

Labcorp Genetics (formerly Invitae), Labcorp
Classification: Uncertain significance for Bethlem myopathy 2; Ullrich congenital muscular dystrophy 2. Last evaluated: 2023-08-04. Review status: criteria provided, single submitter. Criteria: Invitae Variant Classification Sherloc (09022015). Collection method: clinical testing. Allele origin: germline.
Comment: In summary, the available evidence is currently insufficient to determine the role of this variant in disease. Therefore, it has been classified as a Variant of Uncertain Significance. Advanced modeling of protein sequence and biophysical properties (such as structural, functional, and spatial information, amino acid conservation, physicochemical variation, residue mobility, and thermodynamic stability) performed at Invitae indicates that this missense variant is expected to disrupt COL12A1 protein function. ClinVar contains an entry for this variant (Variation ID: 1490881). This variant has not been reported in the literature in individuals affected with COL12A1-related conditions. This variant is not present in population databases (gnomAD no frequency). This sequence change replaces aspartic acid, which is acidic and polar, with asparagine, which is neutral and polar, at codon 578 of the COL12A1 protein (p.Asp578Asn).